The following is an entry in ClinVar:

ClinVar aggregate classification (germline): Benign. Review status: criteria provided, multiple submitters, no conflicts (2 of 4 stars). 8 submissions from 8 submitters: Benign (8). Last evaluated 2026-05-09.

Conditions:
Inborn genetic diseases. Identifiers: MedGen C0950123, MeSH D030342.
KBG syndrome (KBGS). Also called: ANKRD11-Related KBG Syndrome. Identifiers: Orphanet 2332, MedGen C0220687, MONDO:0007846, OMIM 148050.

Allele frequency attached by ClinVar (database versions not stated): TOPMed 0.02507; 1000 Genomes Project 30x 0.02717; ESP Exome Variant Server 0.02909; 1000 Genomes Project 0.02975; gnomAD 0.03395 and 0.03413; ExAC 0.03893; gnomAD exomes 0.03966 and 0.04014.
gnomAD v4.1: 62,820 of 1,614,124 alleles (3.9%); highest among the groups gnomAD compares: East Asian, 6.2%; 1,585 homozygotes.

Submissions (8):

Women's Health and Genetics/Laboratory Corporation of America, LabCorp
Classification: Benign. Last evaluated: 2026-05-09. Review status: criteria provided, single submitter. Criteria: LabCorp Variant Classification Summary - May 2015. Collection method: clinical testing. Allele origin: germline.

Labcorp Genetics (formerly Invitae), Labcorp
Classification: Benign for KBG syndrome. Last evaluated: 2026-02-03. Review status: criteria provided, single submitter. Criteria: Invitae Variant Classification Sherloc (09022015). Collection method: clinical testing. Allele origin: germline.

Blueprint Genetics
Classification: Benign. Last evaluated: 2024-11-27. Review status: criteria provided, single submitter. Criteria: ACMG Guidelines, 2015. Collection method: clinical testing. Allele origin: germline.

Athena Diagnostics
Classification: Benign. Last evaluated: 2024-02-16. Review status: criteria provided, single submitter. Criteria: Athena Diagnostics Criteria. Collection method: clinical testing. Allele origin: unknown.

Genome-Nilou Lab
Classification: Benign for KBG syndrome. Last evaluated: 2021-12-05. Review status: criteria provided, single submitter. Criteria: ACMG Guidelines, 2015. Collection method: clinical testing. Allele origin: germline. Affected: no.

Ambry Genetics
Classification: Benign for Inborn genetic diseases. Last evaluated: 2016-04-19. Review status: criteria provided, single submitter. Criteria: Ambry Variant Classification Scheme 2023. Collection method: clinical testing. Allele origin: germline.

GeneDx
Classification: Benign. Last evaluated: 2015-09-22. Review status: criteria provided, single submitter. Criteria: GeneDx Variant Classification (06012015). Collection method: clinical testing. Allele origin: germline. Affected: yes.
Comment: This variant is considered likely benign or benign based on one or more of the following criteria: it is a conservative change, it occurs at a poorly conserved position in the protein, it is predicted to be benign by multiple in silico algorithms, and/or has population frequency not consistent with disease.

Breakthrough Genomics
Classification: Benign. Review status: criteria provided, single submitter. Criteria: ACMG Guidelines, 2015. Collection method: not provided. Allele origin: germline. Inheritance: Autosomal dominant inheritance. Affected: yes.

NM_013275.6(ANKRD11):c.4932G>A (p.Gly1644=)

Gene: ANKRD11 (ankyrin repeat domain 11; minus strand). Cytogenetic location: 16q24.3.
Variant type: single nucleotide variant.
Coding change: c.4932G>A on transcript NM_013275.6 (MANE Select); coding-DNA position 4932, G replaced by A.
Protein change: p.Gly1644=; no amino-acid change (glycine 1644 retained).
Molecular consequence: synonymous variant.
Genome position (GRCh38, 1-based): chr16:89,281,610, C>T on the plus strand (G>A on the coding strand, the complement: ANKRD11 is on the minus strand). VCF-style: chr16-89281610-C-T. GRCh37 (hg19) VCF-style: chr16-89348018-C-T.
Other names: c.4932G>A, p.Gly1644= (NM_001256182.2, NM_001256183.2).
Identifiers: ClinVar variation 380367 (VCV000380367.19), dbSNP rs72821356, ClinGen allele CA8242010.
Genomic context (GRCh38, chr16:89,281,610, plus strand): 5'-CGCGGCAGGTGGAATAGGAGTCGACTCTTTGAGCTTTTTGTCTTTAAATGGAGGGTCCAG[C>T]CCCGGCGGTTTCTTAGCAGGAATGTCCAGACCCTTCTTCCGCCCGTCGTCTGCCGGCTTC-3'
Protein context (NP_037407.4, residues 1634-1654): GLDIPAKKPP[Gly1644=]LDPPFKDKKL